The following is an entry in ClinVar:

ClinVar aggregate classification (germline): Likely benign (1 of 4 stars; one submission).

Allele frequency attached by ClinVar (database versions not stated): gnomAD exomes 0.00045; gnomAD 0.00362; TOPMed 0.00394; 1000 Genomes Project 0.00579; 1000 Genomes Project 30x 0.00593.

Submission:

GeneDx
Classification: Likely benign. Last evaluated: 2021-11-20. Review status: criteria provided, single submitter. Criteria: GeneDx Variant Classification Process June 2021. Collection method: clinical testing. Allele origin: germline. Affected: yes.
Comment: See Variant Classification Assertion Criteria.

NC_000012.12:g.119194797T>C

Gene: HSPB8 (heat shock protein family B (small) member 8; plus strand). Cytogenetic location: 12q24.23.
Variant type: single nucleotide variant.
Genome position: GRCh38 VCF-style: chr12-119194797-T-C. GRCh37 (hg19) VCF-style: chr12-119632602-T-C.
Identifiers: ClinVar variation 1706923 (VCV001706923.3), dbSNP rs183175042, ClinGen allele CA244346077.